The following is an entry in ClinVar:

ClinVar aggregate classification (germline): Pathogenic (1 of 4 stars; one submission).

Conditions:
Ataxia-telangiectasia syndrome (AT). Also called: Ataxia-telangiectasia, complementation group D; AT, COMPLEMENTATION GROUP C; ATAXIA-TELANGIECTASIA, COMPLEMENTATION GROUP A; ATAXIA-TELANGIECTASIA, FRESNO VARIANT; Ataxia-telangiectasia; Ataxia telangiectasia (A-T). Identifiers: Orphanet 100, MedGen C0004135, MONDO:0008840, OMIM 208900.

Submission:

Labcorp Genetics (formerly Invitae), Labcorp
Classification: Pathogenic for Ataxia-telangiectasia syndrome. Last evaluated: 2019-11-15. Review status: criteria provided, single submitter. Criteria: Invitae Variant Classification Sherloc (09022015). Collection method: clinical testing. Allele origin: germline.
Comment: This sequence change creates a premature translational stop signal (p.Thr2142Lysfs*15) in the ATM gene. It is expected to result in an absent or disrupted protein product. This variant is not present in population databases (ExAC no frequency). This variant has not been reported in the literature in individuals with ATM-related conditions. Loss-of-function variants in ATM are known to be pathogenic (PMID: 23807571, 25614872). For these reasons, this variant has been classified as Pathogenic.

Literature cited by the submitters: PubMed 23807571; PubMed 25614872.

NM_000051.4(ATM):c.6425_6435del (p.Thr2142fs)

Genes: ATM (ATM serine/threonine kinase; plus strand), C11orf65 (chromosome 11 open reading frame 65; minus strand). Cytogenetic location: 11q22.3.
Variant type: Deletion.
Coding change: c.6425_6435del on transcript NM_000051.4 (MANE Select); coding-DNA positions 6425 to 6435, 11 bases deleted (CATTTTATGAA).
Protein change: p.Thr2142fs; shifts the reading frame from threonine 2142.
Molecular consequence: frameshift variant. On other transcripts: intron variant (2).
Genome position (GRCh38, 1-based): chr11:108,320,031-108,320,041, CATTTTATGAA deleted; deleting any 11 consecutive bases within chr11:108,320,030-108,320,041 gives the same sequence; the c. name uses the placement nearest the transcript's 3' end. VCF-style (leftmost placement, unchanged base first): chr11-108320029-TACATTTTATGA-T. GRCh37 (hg19) VCF-style: chr11-108190756-TACATTTTATGA-T.
Other names: c.6425_6435delCATTTTATGAA, p.Thr2142Lysfs (NM_000051.3); c.6425_6435del, p.Thr2142fs (NM_001351834.2); c.641-10969_641-10959del (NM_001330368.2); c.*39-10969_*39-10959del (NM_001351110.2); short protein forms T2142fs.
Identifiers: ClinVar variation 957153 (VCV000957153.9), dbSNP rs2085086552, ClinGen allele CA1139662246.